The following is an entry in ClinVar:

NM_025074.7(FRAS1):c.4843+1G>T

Gene: FRAS1 (Fraser extracellular matrix complex subunit 1; plus strand). Cytogenetic location: 4q21.21.
Variant type: single nucleotide variant.
Coding change: c.4843+1G>T on transcript NM_025074.7 (MANE Select); the canonical splice donor site of the intron after coding-DNA position 4843, G replaced by T.
Molecular consequence: splice donor variant.
Genome position (GRCh38, 1-based): chr4:78,429,227, G>T. VCF-style: chr4-78429227-G-T. GRCh37 (hg19) VCF-style: chr4-79350381-G-T.
Other names: c.4843+1G>T (NM_001166133.2).
Identifiers: ClinVar variation 2698503 (VCV002698503.3), dbSNP rs2477143504, ClinGen allele CA357384106.

ClinVar aggregate classification (germline): Likely pathogenic (1 of 4 stars; one submission).

Submission:

Labcorp Genetics (formerly Invitae), Labcorp
Classification: Likely pathogenic. Last evaluated: 2023-08-30. Review status: criteria provided, single submitter. Criteria: Invitae Variant Classification Sherloc (09022015). Collection method: clinical testing. Allele origin: germline.
Comment: In summary, the currently available evidence indicates that the variant is pathogenic, but additional data are needed to prove that conclusively. Therefore, this variant has been classified as Likely Pathogenic. Algorithms developed to predict the effect of sequence changes on RNA splicing suggest that this variant may disrupt the consensus splice site. This variant has not been reported in the literature in individuals affected with FRAS1-related conditions. This variant is not present in population databases (gnomAD no frequency). This sequence change affects a donor splice site in intron 36 of the FRAS1 gene. It is expected to disrupt RNA splicing. Variants that disrupt the donor or acceptor splice site typically lead to a loss of protein function (PMID: 16199547), and loss-of-function variants in FRAS1 are known to be pathogenic (PMID: 12766769, 18671281).

Literature cited by the submitters: PubMed 16199547; PubMed 12766769; PubMed 18671281.